The following is an entry in ClinVar:

ClinVar aggregate classification (germline): Uncertain significance (1 of 4 stars; one submission).

Conditions:
Early-infantile DEE. Also called: Early infantile epileptic encephalopathy with suppression bursts; Early infantile epileptic encephalopathy; Ohtahara syndrome. Identifiers: Orphanet 1934, MedGen C0393706, MONDO:0800491.

gnomAD v4.1: 1 of 1,614,022 alleles (0.000062%); highest among the groups gnomAD compares: Non-Finnish European, 0.000085%; no homozygotes.

Submission:

Labcorp Genetics (formerly Invitae), Labcorp
Classification: Uncertain significance for Early-infantile DEE. Last evaluated: 2025-12-08. Review status: criteria provided, single submitter. Criteria: Invitae Variant Classification Sherloc (09022015). Collection method: clinical testing. Allele origin: germline.
Comment: This sequence change replaces phenylalanine, which is neutral and non-polar, with tyrosine, which is neutral and polar, at codon 838 of the SCN1A protein (p.Phe838Tyr). This variant is not present in population databases (gnomAD no frequency). This variant has not been reported in the literature in individuals affected with SCN1A-related conditions. Invitae Evidence Modeling of protein sequence and biophysical properties (such as structural, functional, and spatial information, amino acid conservation, physicochemical variation, residue mobility, and thermodynamic stability) indicates that this missense variant is expected to disrupt SCN1A protein function with a positive predictive value of 95%. In summary, the available evidence is currently insufficient to determine the role of this variant in disease. Therefore, it has been classified as a Variant of Uncertain Significance.

NM_001165963.4(SCN1A):c.2513T>A (p.Phe838Tyr)

Gene: SCN1A (sodium voltage-gated channel alpha subunit 1; minus strand). Cytogenetic location: 2q24.3.
Variant type: single nucleotide variant.
Coding change: c.2513T>A on transcript NM_001165963.4 (MANE Select); coding-DNA position 2513, T replaced by A.
Protein change: p.Phe838Tyr; replaces phenylalanine 838 with tyrosine.
Molecular consequence: missense variant. On other transcripts: non-coding transcript variant (1).
Genome position (GRCh38, 1-based): chr2:166,039,499, A>T on the plus strand (T>A on the coding strand, the complement: SCN1A is on the minus strand). VCF-style: chr2-166039499-A-T. GRCh37 (hg19) VCF-style: chr2-166896009-A-T.
Other names: c.2429T>A, p.Phe810Tyr (NM_001165964.3, NM_001353957.2, NM_001353958.2); c.2513T>A, p.Phe838Tyr (NM_001202435.3, NM_001353948.2); c.2480T>A, p.Phe827Tyr (NM_001353949.2, NM_001353950.2, NM_001353951.2 and 2 more transcripts); c.2477T>A, p.Phe826Tyr (NM_001353954.2, NM_001353955.2); c.2426T>A, p.Phe809Tyr (NM_001353960.2); c.71T>A, p.Phe24Tyr (NM_001353961.2); short protein forms F24Y, F809Y, F810Y, F826Y, F827Y, F838Y.
Identifiers: ClinVar variation 4800280 (VCV004800280.1).